The following is an entry in ClinVar:

ClinVar aggregate classification (germline): Conflicting classifications of pathogenicity. Review status: criteria provided, conflicting classifications (1 of 4 stars). 4 submissions from 4 submitters: Uncertain significance (3); Likely benign (1). Last evaluated 2024-05-15.

Conditions:
Hereditary cancer-predisposing syndrome. Also called: Hereditary Cancer Syndrome; Neoplastic Syndromes, Hereditary; Tumor predisposition; Hereditary neoplastic syndrome. Identifiers: Orphanet 140162, MedGen C0027672, MeSH D009386, MONDO:0015356.
BAP1-related tumor predisposition syndrome (TPDS1). Also called: Tumor susceptibility linked to germline BAP1 mutations; BAP1 tumor predisposition syndrome; COMMON Syndrome; TUMOR PREDISPOSITION SYNDROME 1. Identifiers: Orphanet 289539, MedGen C3280492, MONDO:0013692, OMIM 614327.

Allele frequency attached by ClinVar (database versions not stated): TOPMed 0.00001; gnomAD 0.00002.
gnomAD v4.1: 3 of 1,614,076 alleles (0.00019%); highest among the groups gnomAD compares: African/African-American, 0.0027%; no homozygotes.

Submissions (4):

Labcorp Genetics (formerly Invitae), Labcorp
Classification: Uncertain significance for BAP1-related tumor predisposition syndrome. Last evaluated: 2024-05-15. Review status: criteria provided, single submitter. Criteria: Invitae Variant Classification Sherloc (09022015). Collection method: clinical testing. Allele origin: germline.
Comment: This sequence change replaces valine, which is neutral and non-polar, with isoleucine, which is neutral and non-polar, at codon 603 of the BAP1 protein (p.Val603Ile). This variant is present in population databases (no rsID available, gnomAD 0.01%). This variant has not been reported in the literature in individuals affected with BAP1-related conditions. ClinVar contains an entry for this variant (Variation ID: 489627). Advanced modeling of protein sequence and biophysical properties (such as structural, functional, and spatial information, amino acid conservation, physicochemical variation, residue mobility, and thermodynamic stability) performed at Invitae indicates that this missense variant is not expected to disrupt BAP1 protein function with a negative predictive value of 80%. In summary, the available evidence is currently insufficient to determine the role of this variant in disease. Therefore, it has been classified as a Variant of Uncertain Significance.

Ambry Genetics
Classification: Likely benign for Hereditary cancer-predisposing syndrome. Last evaluated: 2024-03-06. Review status: criteria provided, single submitter. Criteria: Ambry Variant Classification Scheme 2023. Collection method: clinical testing. Allele origin: germline.

Baylor Genetics
Classification: Uncertain significance for BAP1-related tumor predisposition syndrome. Last evaluated: 2023-08-03. Review status: criteria provided, single submitter. Criteria: ACMG Guidelines, 2015. Collection method: clinical testing. Allele origin: unknown.

Color Diagnostics, LLC DBA Color Health
Classification: Uncertain significance for Hereditary cancer-predisposing syndrome. Last evaluated: 2023-07-06. Review status: criteria provided, single submitter. Criteria: ACMG Guidelines, 2015. Collection method: clinical testing. Allele origin: germline.
Comment: This missense variant replaces valine with isoleucine at codon 603 of the BAP1 protein. Computational prediction suggests that this variant may not impact protein structure and function (internally defined REVEL score threshold <= 0.5, PMID: 27666373). To our knowledge, functional studies have not been reported for this variant. This variant has not been reported in individuals affected with hereditary cancer in the literature. This variant has been identified in 1/31396 chromosomes in the general population by the Genome Aggregation Database (gnomAD). The available evidence is insufficient to determine the role of this variant in disease conclusively. Therefore, this variant is classified as a Variant of Uncertain Significance.

NM_004656.4(BAP1):c.1807G>A (p.Val603Ile)

Gene: BAP1 (BRCA1 associated deubiquitinase 1; minus strand). Cytogenetic location: 3p21.1.
Variant type: single nucleotide variant.
Coding change: c.1807G>A on transcript NM_004656.4 (MANE Select); coding-DNA position 1807, G replaced by A.
Protein change: p.Val603Ile; replaces valine 603 with isoleucine.
Molecular consequence: missense variant.
Genome position (GRCh38, 1-based): chr3:52,403,221, C>T on the plus strand (G>A on the coding strand, the complement: BAP1 is on the minus strand). VCF-style: chr3-52403221-C-T. GRCh37 (hg19) VCF-style: chr3-52437237-C-T.
Other names: c.1807G>A (LRG_529t1); short protein forms V603I.
Identifiers: ClinVar variation 489627 (VCV000489627.17), dbSNP rs1329653090, ClinGen allele CA353098683.
Genomic context (GRCh38, chr3:52,403,221, plus strand): 5'-TCAAGGGCTCGCCAGGCCTCACCATCCCCGTCTTCTCTCTGCTGTCCGTGGCTTCCACGA[C>T]CTCCTTCTCCACTGGGCTGCTGGACCCCTGGCTGCCTTGGATTGGTCTGATGGAGGGCGA-3'
Protein context (NP_004647.1, residues 593-613): QGSSSPVEKE[Val603Ile]VEATDSREKT